The following is an entry in ClinVar:

NM_001173467.3(SP7):c.370A>G (p.Ser124Gly)

Gene: SP7 (Sp7 transcription factor; minus strand). Cytogenetic location: 12q13.13.
Variant type: single nucleotide variant.
Coding change: c.370A>G on transcript NM_001173467.3 (MANE Select); coding-DNA position 370, A replaced by G.
Protein change: p.Ser124Gly; replaces serine 124 with glycine.
Molecular consequence: missense variant.
Genome position (GRCh38, 1-based): chr12:53,329,072, T>C on the plus strand (A>G on the coding strand, the complement: SP7 is on the minus strand). VCF-style: chr12-53329072-T-C. GRCh37 (hg19) VCF-style: chr12-53722856-T-C.
Other names: c.316A>G, p.Ser106Gly (NM_001300837.2); c.370A>G, p.Ser124Gly (NM_152860.2); c.370A>G (NM_001173467.1); short protein forms S106G, S124G.
Identifiers: ClinVar variation 1447062 (VCV001447062.9), dbSNP rs1447151930, ClinGen allele CA385054146.

ClinVar aggregate classification (germline): Uncertain significance. Review status: criteria provided, multiple submitters, no conflicts (2 of 4 stars). 2 submissions from 2 submitters: Uncertain significance (2). Last evaluated 2024-12-24.

Allele frequency attached by ClinVar (database versions not stated): gnomAD exomes 0.00001; TOPMed 0.00001.

Submissions (2):

Ambry Genetics
Classification: Uncertain significance. Last evaluated: 2024-12-24. Review status: criteria provided, single submitter. Criteria: Ambry Variant Classification Scheme 2023. Collection method: clinical testing. Allele origin: germline.

Labcorp Genetics (formerly Invitae), Labcorp
Classification: Uncertain significance. Last evaluated: 2021-03-17. Review status: criteria provided, single submitter. Criteria: Invitae Variant Classification Sherloc (09022015). Collection method: clinical testing. Allele origin: germline.
Comment: In summary, the available evidence is currently insufficient to determine the role of this variant in disease. Therefore, it has been classified as a Variant of Uncertain Significance. Algorithms developed to predict the effect of missense changes on protein structure and function (SIFT, PolyPhen-2, Align-GVGD) all suggest that this variant is likely to be tolerated, but these predictions have not been confirmed by published functional studies and their clinical significance is uncertain. This variant has not been reported in the literature in individuals with SP7-related conditions. This variant is not present in population databases (ExAC no frequency). This sequence change replaces serine with glycine at codon 124 of the SP7 protein (p.Ser124Gly). The serine residue is highly conserved and there is a small physicochemical difference between serine and glycine.